The following is an entry in ClinVar:

NM_002858.4(ABCD3):c.1369C>T (p.Arg457Ter)

Gene: ABCD3 (ATP binding cassette subfamily D member 3; plus strand). Cytogenetic location: 1p21.3.
Variant type: single nucleotide variant.
Coding change: c.1369C>T on transcript NM_002858.4 (MANE Select); coding-DNA position 1369, C replaced by T.
Protein change: p.Arg457Ter; replaces arginine 457 with a stop codon.
Molecular consequence: nonsense.
Genome position (GRCh38, 1-based): chr1:94,491,230, C>T. VCF-style: chr1-94491230-C-T. GRCh37 (hg19) VCF-style: chr1-94956786-C-T.
Other names: short protein forms R457*.
Identifiers: ClinVar variation 1974104 (VCV001974104.5), dbSNP rs1228341414, ClinGen allele CA341304511.

ClinVar aggregate classification (germline): Uncertain significance (1 of 4 stars; one submission).

gnomAD v4.1: 5 of 1,610,934 alleles (0.00031%); highest among the groups gnomAD compares: Non-Finnish European, 0.00025%; no homozygotes.

Submission:

Labcorp Genetics (formerly Invitae), Labcorp
Classification: Uncertain significance. Last evaluated: 2024-01-18. Review status: criteria provided, single submitter. Criteria: Invitae Variant Classification Sherloc (09022015). Collection method: clinical testing. Allele origin: germline.
Comment: This sequence change creates a premature translational stop signal (p.Arg457*) in the ABCD3 gene. It is expected to result in an absent or disrupted protein product. However, the current clinical and genetic evidence is not sufficient to establish whether loss-of-function variants in ABCD3 cause disease. This variant is present in population databases (no rsID available, gnomAD no frequency). This variant has not been reported in the literature in individuals affected with ABCD3-related conditions. ClinVar contains an entry for this variant (Variation ID: 1974104). In summary, the available evidence is currently insufficient to determine the role of this variant in disease. Therefore, it has been classified as a Variant of Uncertain Significance.